The following is an entry in ClinVar:

ClinVar aggregate classification (germline): Likely benign. Review status: criteria provided, multiple submitters, no conflicts (2 of 4 stars). 3 submissions from 3 submitters: Likely benign (3). Last evaluated 2026-01-09.

Conditions:
Autosomal recessive limb-girdle muscular dystrophy type 2O. Also called: Limb-Girdle Muscular Dystrophy Type 3C; MUSCULAR DYSTROPHY-DYSTROGLYCANOPATHY (LIMB-GIRDLE), TYPE C, 3; MUSCULAR DYSTROPHY-DYSTROGLYCANOPATHY, LIMB-GIRDLE, POMGNT1-RELATED. Identifiers: Orphanet 206564, MedGen C3150417, MONDO:0013161, OMIM 613157.
Muscular dystrophy-dystroglycanopathy (congenital with impaired intellectual development), type B, 3. Also called: Muscular dystrophy-dystroglycanopathy (congenital with intellectual disability), type B3; MUSCULAR DYSTROPHY, CONGENITAL, POMGNT1-RELATED. Identifiers: MedGen C3150412, MONDO:0013155, OMIM 613151.

Allele frequency attached by ClinVar (database versions not stated): ExAC 0.00002; gnomAD exomes 0.00003 and 0.00004; TOPMed below 0.00001.
gnomAD v4.1: 57 of 1,614,158 alleles (0.0035%); highest among the groups gnomAD compares: Non-Finnish European, 0.0044%; no homozygotes.

Submissions (3):

Labcorp Genetics (formerly Invitae), Labcorp
Classification: Likely benign for Autosomal recessive limb-girdle muscular dystrophy type 2O; Muscular dystrophy-dystroglycanopathy (congenital with impaired intellectual development), type B, 3. Last evaluated: 2026-01-09. Review status: criteria provided, single submitter. Criteria: Invitae Variant Classification Sherloc (09022015). Collection method: clinical testing. Allele origin: germline.

Blueprint Genetics
Classification: Likely benign. Last evaluated: 2023-03-30. Review status: criteria provided, single submitter. Criteria: ACMG Guidelines, 2015. Collection method: clinical testing. Allele origin: germline.

GeneDx
Classification: Likely benign. Last evaluated: 2017-09-14. Review status: criteria provided, single submitter. Criteria: GeneDx Variant Classification (06012015). Collection method: clinical testing. Allele origin: germline. Affected: yes.
Comment: This variant is considered likely benign or benign based on one or more of the following criteria: it is a conservative change, it occurs at a poorly conserved position in the protein, it is predicted to be benign by multiple in silico algorithms, and/or has population frequency not consistent with disease.

NM_017739.4(POMGNT1):c.1284+8G>A

Genes: POMGNT1 (protein O-linked mannose N-acetylglucosaminyltransferase 1 (beta 1,2-); minus strand), TSPAN1 (tetraspanin 1; plus strand). Cytogenetic location: 1p34.1.
Variant type: single nucleotide variant.
Coding change: c.1284+8G>A on transcript NM_017739.4 (MANE Select); 8 bases into the intron after coding-DNA position 1284, G replaced by A.
Molecular consequence: intron variant.
Genome position (GRCh38, 1-based): chr1:46,192,510, C>T on the plus strand (G>A on the coding strand, the complement: POMGNT1 is on the minus strand). VCF-style: chr1-46192510-C-T. GRCh37 (hg19) VCF-style: chr1-46658182-C-T.
Other names: c.1284+8G>A (NM_001243766.2, NM_001438686.1, NM_001438688.1 and 3 more transcripts); c.1218+8G>A (NM_001290129.3, NM_001438691.1, NM_001438692.1); c.855+8G>A (NM_001290130.2).
Identifiers: ClinVar variation 512059 (VCV000512059.13), dbSNP rs761259999, ClinGen allele CA833418.
Genomic context (GRCh38, chr1:46,192,510, plus strand): 5'-GCCATAGTGGGAGGTATTAGCTGAGGCCTCATAAACTCGCCTGCTAAACCCTGGTCATTC[C>T]AGCCTACCTGGTCATTCCAGGCAGAGATGCAGTACAGGCTGTCATCCTCCTCCAGTAGGT-3'